The following is an entry in ClinVar:

ClinVar aggregate classification (germline): Uncertain significance (1 of 4 stars; one submission).

Submission:

GeneDx
Classification: Uncertain significance. Last evaluated: 2019-04-05. Review status: criteria provided, single submitter. Criteria: GeneDx Variant Classification Process June 2021. Collection method: clinical testing. Allele origin: germline. Affected: yes.
Comment: Not observed in large population cohorts (Lek et al., 2016); In silico analysis, which includes protein predictors and evolutionary conservation, supports that this variant does not alter protein structure/function; Has not been previously published as pathogenic or benign to our knowledge

NM_206933.4(USH2A):c.361C>T (p.His121Tyr)

Gene: USH2A (usherin; minus strand). Cytogenetic location: 1q41.
Variant type: single nucleotide variant.
Coding change: c.361C>T on transcript NM_206933.4 (MANE Select); coding-DNA position 361, C replaced by T.
Protein change: p.His121Tyr; replaces histidine 121 with tyrosine.
Molecular consequence: missense variant.
Genome position (GRCh38, 1-based): chr1:216,421,976, G>A on the plus strand (C>T on the coding strand, the complement: USH2A is on the minus strand). VCF-style: chr1-216421976-G-A. GRCh37 (hg19) VCF-style: chr1-216595318-G-A.
Other names: c.361C>T, p.His121Tyr (NM_007123.6); short protein forms H121Y.
Identifiers: ClinVar variation 1302734 (VCV001302734.2), dbSNP rs2102788499, ClinGen allele CA344904133.